The following is an entry in ClinVar:

ClinVar aggregate classification (germline): Uncertain significance (1 of 4 stars; one submission).

Allele frequency attached by ClinVar (database versions not stated): gnomAD exomes below 0.00001; gnomAD 0.00001; ExAC 0.00003; TOPMed 0.00003.
gnomAD v4.1: 4 of 1,587,648 alleles (0.00025%); highest among the groups gnomAD compares: African/African-American, 0.0027%; no homozygotes.

Submission:

Labcorp Genetics (formerly Invitae), Labcorp
Classification: Uncertain significance. Last evaluated: 2022-05-10. Review status: criteria provided, single submitter. Criteria: Invitae Variant Classification Sherloc (09022015). Collection method: clinical testing. Allele origin: germline.
Comment: In summary, the available evidence is currently insufficient to determine the role of this variant in disease. Therefore, it has been classified as a Variant of Uncertain Significance. Algorithms developed to predict the effect of missense changes on protein structure and function are either unavailable or do not agree on the potential impact of this missense change (SIFT: "Deleterious"; PolyPhen-2: "Possibly Damaging"; Align-GVGD: "Class C0"). This variant has not been reported in the literature in individuals affected with LEMD3-related conditions. The frequency data for this variant in the population databases is considered unreliable, as metrics indicate poor data quality at this position in the gnomAD database. This sequence change replaces alanine, which is neutral and non-polar, with valine, which is neutral and non-polar, at codon 3 of the LEMD3 protein (p.Ala3Val).

NM_014319.5(LEMD3):c.8C>T (p.Ala3Val)

Gene: LEMD3 (LEM domain containing 3; plus strand). Cytogenetic location: 12q14.3.
Variant type: single nucleotide variant.
Coding change: c.8C>T on transcript NM_014319.5 (MANE Select); coding-DNA position 8, C replaced by T.
Protein change: p.Ala3Val; replaces alanine 3 with valine.
Molecular consequence: missense variant.
Genome position (GRCh38, 1-based): chr12:65,169,604, C>T. VCF-style: chr12-65169604-C-T. GRCh37 (hg19) VCF-style: chr12-65563384-C-T.
Other names: c.8C>T, p.Ala3Val (NM_001167614.2); short protein forms A3V.
Identifiers: ClinVar variation 1992863 (VCV001992863.4), dbSNP rs772903185, ClinGen allele CA6670647.